The following is an entry in ClinVar:

NM_006514.4(SCN10A):c.863A>G (p.Asn288Ser)

Gene: SCN10A (sodium voltage-gated channel alpha subunit 10; minus strand). Cytogenetic location: 3p22.2.
Variant type: single nucleotide variant.
Coding change: c.863A>G on transcript NM_006514.4 (MANE Select); coding-DNA position 863, A replaced by G.
Protein change: p.Asn288Ser; replaces asparagine 288 with serine.
Molecular consequence: missense variant.
Genome position (GRCh38, 1-based): chr3:38,761,212, T>C on the plus strand (A>G on the coding strand, the complement: SCN10A is on the minus strand). VCF-style: chr3-38761212-T-C. GRCh37 (hg19) VCF-style: chr3-38802703-T-C.
Other names: c.863A>G, p.Asn288Ser (NM_001293306.2, NM_001293307.2); short protein forms N288S.
Identifiers: ClinVar variation 3950889 (VCV003950889.1).

ClinVar aggregate classification (germline): Uncertain significance (1 of 4 stars; one submission).

Conditions:
Cardiovascular phenotype. Identifiers: MedGen CN230736.

Submission:

Ambry Genetics
Classification: Uncertain significance for Cardiovascular phenotype. Last evaluated: 2025-06-01. Review status: criteria provided, single submitter. Criteria: Ambry Variant Classification Scheme 2023. Collection method: clinical testing. Allele origin: germline.
Comment: The p.N288S variant (also known as c.863A>G), located in coding exon 6 of the SCN10A gene, results from an A to G substitution at nucleotide position 863. The asparagine at codon 288 is replaced by serine, an amino acid with highly similar properties. This amino acid position is conserved. In addition, this alteration is predicted to be tolerated by in silico analysis. Based on the available evidence, the clinical significance of this variant remains unclear.